The following is an entry in ClinVar:

NM_006904.7(PRKDC):c.10693G>A (p.Gly3565Arg)

Gene: PRKDC (protein kinase, DNA-activated, catalytic subunit; minus strand). Cytogenetic location: 8q11.21.
Variant type: single nucleotide variant.
Coding change: c.10693G>A on transcript NM_006904.7 (MANE Select); coding-DNA position 10693, G replaced by A.
Protein change: p.Gly3565Arg; replaces glycine 3565 with arginine.
Molecular consequence: missense variant.
Genome position (GRCh38, 1-based): chr8:47,789,216, C>T on the plus strand (G>A on the coding strand, the complement: PRKDC is on the minus strand). VCF-style: chr8-47789216-C-T. GRCh37 (hg19) VCF-style: chr8-48701777-C-T.
Other names: c.10693G>A, p.Gly3565Arg (NM_001081640.2); short protein forms G3565R.
Identifiers: ClinVar variation 4753957 (VCV004753957.1).

ClinVar aggregate classification (germline): Uncertain significance (1 of 4 stars; one submission).

Conditions:
Severe combined immunodeficiency due to DNA-PKcs deficiency. Also called: IMMUNODEFICIENCY 26 WITH NEUROLOGIC ABNORMALITIES; Immunodeficiency 26 with or without neurologic abnormalities. Identifiers: Orphanet 317425, MedGen C4014833, MONDO:0014423, OMIM 615966.

gnomAD v4.1: 4 of 1,592,356 alleles (0.00025%); highest among the groups gnomAD compares: Non-Finnish European, 0.00034%; no homozygotes.

Submission:

Labcorp Genetics (formerly Invitae), Labcorp
Classification: Uncertain significance for Severe combined immunodeficiency due to DNA-PKcs deficiency. Last evaluated: 2025-08-03. Review status: criteria provided, single submitter. Criteria: Invitae Variant Classification Sherloc (09022015). Collection method: clinical testing. Allele origin: germline.
Comment: This sequence change replaces glycine, which is neutral and non-polar, with arginine, which is basic and polar, at codon 3565 of the PRKDC protein (p.Gly3565Arg). This variant is not present in population databases (gnomAD no frequency). This variant has not been reported in the literature in individuals affected with PRKDC-related conditions. Invitae Evidence Modeling of protein sequence and biophysical properties (such as structural, functional, and spatial information, amino acid conservation, physicochemical variation, residue mobility, and thermodynamic stability) indicates that this missense variant is not expected to disrupt PRKDC protein function with a negative predictive value of 80%. In summary, the available evidence is currently insufficient to determine the role of this variant in disease. Therefore, it has been classified as a Variant of Uncertain Significance.